The following is an entry in ClinVar:

ClinVar aggregate classification (germline): Uncertain significance (1 of 4 stars; one submission).

Conditions:
Inborn genetic diseases. Identifiers: MedGen C0950123, MeSH D030342.

Submission:

Ambry Genetics
Classification: Uncertain significance for Inborn genetic diseases. Last evaluated: 2024-09-30. Review status: criteria provided, single submitter. Criteria: Ambry Variant Classification Scheme 2023. Collection method: clinical testing. Allele origin: germline.
Comment: The p.R550G variant (also known as c.1648C>G), located in coding exon 14 of the BUB1B gene, results from a C to G substitution at nucleotide position 1648. The arginine at codon 550 is replaced by glycine, an amino acid with dissimilar properties. This amino acid position is conserved. In addition, this alteration is predicted to be tolerated by in silico analysis. Based on the available evidence, the clinical significance of this variant remains unclear.

NM_001211.6(BUB1B):c.1648C>G (p.Arg550Gly)

Gene: BUB1B (BUB1 mitotic checkpoint serine/threonine kinase B; plus strand). Cytogenetic location: 15q15.1.
Variant type: single nucleotide variant.
Coding change: c.1648C>G on transcript NM_001211.6 (MANE Select); coding-DNA position 1648, C replaced by G.
Protein change: p.Arg550Gly; replaces arginine 550 with glycine.
Molecular consequence: missense variant.
Genome position (GRCh38, 1-based): chr15:40,202,608, C>G. VCF-style: chr15-40202608-C-G. GRCh37 (hg19) VCF-style: chr15-40494809-C-G.
Other names: short protein forms R550G.
Identifiers: ClinVar variation 3483209 (VCV003483209.1).
Genomic context (GRCh38, chr15:40,202,608, plus strand): 5'-GTTATGAAAAAAATTGCTAAGTGAGGTATGTCTTTTTCCAGTCCTCCTGCAGATCCCCCA[C>G]GAGTTTTAGCTCAACGAAGACCCCTTGCAGTTCTCAAAACCTCAGAAAGCATCACCTCAA-3'
Protein context (NP_001202.5, residues 540-560): KNKSPPADPP[Arg550Gly]VLAQRRPLAV